The following is an entry in ClinVar:

ClinVar aggregate classification (germline): Likely pathogenic (1 of 4 stars; one submission).

Conditions:
Corneal dystrophy, Fuchs endothelial, 6 (FECD6). Identifiers: Orphanet 98974, MedGen C2750448, MONDO:0013206, OMIM 613270.

Submission:

3billion
Classification: Likely pathogenic for Corneal dystrophy, Fuchs endothelial, 6. Last evaluated: 2023-02-23. Review status: criteria provided, single submitter. Criteria: ACMG Guidelines, 2015. Collection method: clinical testing. Allele origin: unknown. Affected: yes.
Comment: The variant is not observed in the gnomAD v2.1.1 dataset. This variant was predicted to result in a loss or disruption of normal protein function through nonsense-mediated decay (NMD) or protein truncation. Multiple pathogenic variants are reported downstream of the variant. Therefore, this variant is classified as Likely pathogenic according to the recommendation of ACMG/AMP guideline.

NM_001174096.2(ZEB1):c.831del (p.Ser279fs)

Gene: ZEB1 (zinc finger E-box binding homeobox 1; plus strand). Cytogenetic location: 10p11.22.
Variant type: Deletion.
Coding change: c.831del on transcript NM_001174096.2 (MANE Select); coding-DNA position 831, one base deleted (C; older notation c.831delC).
Protein change: p.Ser279fs; shifts the reading frame from serine 279.
Molecular consequence: frameshift variant.
Genome position (GRCh38, 1-based): chr10:31,520,163, C deleted. VCF-style (leftmost placement, unchanged base first): chr10-31520162-GC-G. GRCh37 (hg19) VCF-style: chr10-31809090-GC-G.
Other names: c.780del, p.Ser262fs (NM_001128128.3); c.768del, p.Ser258fs (NM_001174093.2); c.777del, p.Ser261fs (NM_001174094.2); c.627del, p.Ser211fs (NM_001174095.2); c.174del, p.Ser60fs (NM_001323638.2, NM_001323641.2, NM_001323642.2 and 27 more transcripts); c.606del, p.Ser204fs (NM_001323674.2); c.564del, p.Ser190fs (NM_001323675.2); c.789del, p.Ser265fs (NM_001323676.2); and 3 more; short protein forms S187fs, S190fs, S204fs, S211fs, S258fs, S261fs, S262fs, S264fs.
Identifiers: ClinVar variation 2444117 (VCV002444117.1), dbSNP rs2543952522, ClinGen allele CA2580081449.